The following is an entry in ClinVar:

NM_017617.5(NOTCH1):c.5430G>C (p.Gln1810His)

Gene: NOTCH1 (notch receptor 1; minus strand). Cytogenetic location: 9q34.3.
Variant type: single nucleotide variant.
Coding change: c.5430G>C on transcript NM_017617.5 (MANE Select); coding-DNA position 5430, G replaced by C.
Protein change: p.Gln1810His; replaces glutamine 1810 with histidine.
Molecular consequence: missense variant.
Genome position (GRCh38, 1-based): chr9:136,502,043, C>G on the plus strand (G>C on the coding strand, the complement: NOTCH1 is on the minus strand). VCF-style: chr9-136502043-C-G. GRCh37 (hg19) VCF-style: chr9-139396495-C-G.
Other names: short protein forms Q1810H.
Identifiers: ClinVar variation 930237 (VCV000930237.3), dbSNP rs1843005523, ClinGen allele CA375640043.

ClinVar aggregate classification (germline): Uncertain significance (1 of 4 stars; one submission).

Conditions:
Aortic valve disease 1 (AOVD1). Identifiers: MedGen C3887892, MONDO:0024523, OMIM 109730.

Submission:

Centre for Mendelian Genomics, University Medical Centre Ljubljana
Classification: Uncertain significance for Aortic valve disease 1. Last evaluated: 2018-09-27. Review status: criteria provided, single submitter. Criteria: ACMG Guidelines, 2015. Collection method: clinical testing. Allele origin: unknown. Affected: yes.
Comment: This variant was classified as: Uncertain significance. The available evidence on this variant's pathogenicity is insufficient or conflicting. The following ACMG criteria were applied in classifying this variant: PM2,BP4.